The following is an entry in ClinVar:

ClinVar aggregate classification (germline): Likely benign. Review status: criteria provided, multiple submitters, no conflicts (2 of 4 stars). 2 submissions from 2 submitters: Likely benign (2). Last evaluated 2026-07-28.

Conditions:
MYH14-related disorder. Also called: MYH14-related condition.

Allele frequency attached by ClinVar (database versions not stated): gnomAD exomes 0.00004; TOPMed 0.00014; ESP Exome Variant Server 0.00016; gnomAD 0.00017.
gnomAD v4.1: 77 of 1,612,010 alleles (0.0048%); highest among the groups gnomAD compares: African/African-American, 0.059%; no homozygotes.

Submissions (2):

PreventionGenetics, part of Exact Sciences
Classification: Likely benign for MYH14-related condition. Last evaluated: 2026-07-28. Review status: criteria provided, single submitter. Criteria: ACMG Guidelines, 2015. Collection method: clinical testing. Allele origin: germline.
Comment: This variant is classified as likely benign based on ACMG/AMP sequence variant interpretation guidelines (Richards et al. 2015 PMID: 25741868, with internal and published modifications).

Labcorp Genetics (formerly Invitae), Labcorp
Classification: Likely benign. Last evaluated: 2023-06-10. Review status: criteria provided, single submitter. Criteria: Invitae Variant Classification Sherloc (09022015). Collection method: clinical testing. Allele origin: germline.

NM_001145809.2(MYH14):c.1101C>T (p.His367=)

Gene: MYH14 (myosin heavy chain 14; plus strand). Cytogenetic location: 19q13.33.
Variant type: single nucleotide variant.
Coding change: c.1101C>T on transcript NM_001145809.2 (MANE Select); coding-DNA position 1101, C replaced by T.
Protein change: p.His367=; no amino-acid change (histidine 367 retained).
Molecular consequence: synonymous variant.
Genome position (GRCh38, 1-based): chr19:50,232,057, C>T. VCF-style: chr19-50232057-C-T. GRCh37 (hg19) VCF-style: chr19-50735314-C-T.
Other names: c.1101C>T (NM_001145809.1); c.1101C>T, p.His367= (NM_001077186.2); c.1077C>T, p.His359= (NM_024729.4).
Identifiers: ClinVar variation 3023467 (VCV003023467.4), dbSNP rs368937416, ClinGen allele CA9592497.
Genomic context (GRCh38, chr19:50,232,057, plus strand): 5'-CCAGGAGCGGGAACTCTTCCAGGAGACGCTGGAGTCGCTGCGGGTCCTGGGATTCAGCCA[C>T]GAGGAAATCATCTGTGAGTGAGCCCCGTGGAGGCCAGGGGTAGGGGGGAACCCCACGGAG-3'
Protein context (NP_001139281.1, residues 357-377): LESLRVLGFS[His367=]EEIISMLRMV